The following is an entry in ClinVar:

NM_182493.3(MYLK3):c.823T>A (p.Ser275Thr)

Gene: MYLK3 (myosin light chain kinase 3; minus strand). Cytogenetic location: 16q11.2.
Variant type: single nucleotide variant.
Coding change: c.823T>A on transcript NM_182493.3 (MANE Select); coding-DNA position 823, T replaced by A.
Protein change: p.Ser275Thr; replaces serine 275 with threonine.
Molecular consequence: missense variant. On other transcripts: intron variant (1).
Genome position (GRCh38, 1-based): chr16:46,737,889, A>T on the plus strand (T>A on the coding strand, the complement: MYLK3 is on the minus strand). VCF-style: chr16-46737889-A-T. GRCh37 (hg19) VCF-style: chr16-46771801-A-T.
Other names: c.-23+2168T>A (NM_001308301.1); short protein forms S275T.
Identifiers: ClinVar variation 4692315 (VCV004692315.1).

ClinVar aggregate classification (germline): Uncertain significance (1 of 4 stars; one submission).

gnomAD v4.1: 3 of 1,614,146 alleles (0.00019%); highest among the groups gnomAD compares: South Asian, 0.0022%; no homozygotes.

Submission:

Labcorp Genetics (formerly Invitae), Labcorp
Classification: Uncertain significance. Last evaluated: 2025-12-20. Review status: criteria provided, single submitter. Criteria: Invitae Variant Classification Sherloc (09022015). Collection method: clinical testing. Allele origin: germline.
Comment: This sequence change replaces serine, which is neutral and polar, with threonine, which is neutral and polar, at codon 275 of the MYLK3 protein (p.Ser275Thr). This variant is present in population databases (rs763802175, gnomAD 0.003%). This variant has not been reported in the literature in individuals affected with MYLK3-related conditions. An algorithm developed to predict the effect of missense changes on protein structure and function (PolyPhen-2) suggests that this variant is likely to be tolerated. In summary, the available evidence is currently insufficient to determine the role of this variant in disease. Therefore, it has been classified as a Variant of Uncertain Significance.